The following is an entry in ClinVar:

NM_000836.4(GRIN2D):c.302T>A (p.Leu101Gln)

Gene: GRIN2D (glutamate ionotropic receptor NMDA type subunit 2D; plus strand). Cytogenetic location: 19q13.33.
Variant type: single nucleotide variant.
Coding change: c.302T>A on transcript NM_000836.4 (MANE Select); coding-DNA position 302, T replaced by A.
Protein change: p.Leu101Gln; replaces leucine 101 with glutamine.
Molecular consequence: missense variant.
Genome position (GRCh38, 1-based): chr19:48,398,694, T>A. VCF-style: chr19-48398694-T-A. GRCh37 (hg19) VCF-style: chr19-48901951-T-A.
Other names: short protein forms L101Q.
Identifiers: ClinVar variation 3006472 (VCV003006472.3), dbSNP rs1970672849, ClinGen allele CA406688886.

ClinVar aggregate classification (germline): Uncertain significance (1 of 4 stars; one submission).

Allele frequency attached by ClinVar (database versions not stated): gnomAD 0.00001; gnomAD exomes 0.00001.
gnomAD v4.1: 11 of 1,463,720 alleles (0.00075%); highest among the groups gnomAD compares: Non-Finnish European, 0.00099%; no homozygotes.

Submission:

Labcorp Genetics (formerly Invitae), Labcorp
Classification: Uncertain significance. Last evaluated: 2024-12-03. Review status: criteria provided, single submitter. Criteria: Invitae Variant Classification Sherloc (09022015). Collection method: clinical testing. Allele origin: germline.
Comment: This sequence change replaces leucine, which is neutral and non-polar, with glutamine, which is neutral and polar, at codon 101 of the GRIN2D protein (p.Leu101Gln). This variant is not present in population databases (gnomAD no frequency). This variant has not been reported in the literature in individuals affected with GRIN2D-related conditions. ClinVar contains an entry for this variant (Variation ID: 3006472). Invitae Evidence Modeling of protein sequence and biophysical properties (such as structural, functional, and spatial information, amino acid conservation, physicochemical variation, residue mobility, and thermodynamic stability) indicates that this missense variant is not expected to disrupt GRIN2D protein function with a negative predictive value of 80%. In summary, the available evidence is currently insufficient to determine the role of this variant in disease. Therefore, it has been classified as a Variant of Uncertain Significance.